The following is an entry in ClinVar:

NM_030777.4(SLC2A10):c.831C>T (p.Gly277=)

Gene: SLC2A10 (solute carrier family 2 member 10; plus strand). Cytogenetic location: 20q13.12.
Variant type: single nucleotide variant.
Coding change: c.831C>T on transcript NM_030777.4 (MANE Select); coding-DNA position 831, C replaced by T.
Protein change: p.Gly277=; no amino-acid change (glycine 277 retained).
Molecular consequence: synonymous variant.
Genome position (GRCh38, 1-based): chr20:46,725,867, C>T. VCF-style: chr20-46725867-C-T. GRCh37 (hg19) VCF-style: chr20-45354506-C-T.
Identifiers: ClinVar variation 1101986 (VCV001101986.13), dbSNP rs142697617, ClinGen allele CA9892054.

ClinVar aggregate classification (germline): Likely benign. Review status: criteria provided, multiple submitters, no conflicts (2 of 4 stars). 4 submissions from 4 submitters: Likely benign (4). Last evaluated 2026-03-27.

Conditions:
Familial thoracic aortic aneurysm and aortic dissection (TAAD). Also called: Thoracic aortic aneurysms and dissections. Identifiers: Orphanet 91387, MedGen C4707243, MONDO:0019625.
Arterial tortuosity syndrome (ATORS). Identifiers: Orphanet 3342, MedGen C1859726, MONDO:0008818, OMIM 208050.

Allele frequency attached by ClinVar (database versions not stated): 1000 Genomes Project 30x 0.00016; ESP Exome Variant Server 0.00008; 1000 Genomes Project 0.00020.
gnomAD v4.1: 35 of 1,614,206 alleles (0.0022%); highest among the groups gnomAD compares: African/African-American, 0.013%; no homozygotes.

Submissions (4):

Molecular Diagnostic Laboratory for Inherited Cardiovascular Disease, Montreal Heart Institute
Classification: Likely benign. Last evaluated: 2026-03-27. Review status: criteria provided, single submitter. Criteria: ACMG Guidelines, 2015. Collection method: clinical testing. Allele origin: germline. Affected: no.
Comment: BP7

Labcorp Genetics (formerly Invitae), Labcorp
Classification: Likely benign for Arterial tortuosity syndrome. Last evaluated: 2026-01-11. Review status: criteria provided, single submitter. Criteria: Invitae Variant Classification Sherloc (09022015). Collection method: clinical testing. Allele origin: germline.

Ambry Genetics
Classification: Likely benign for Familial thoracic aortic aneurysm and aortic dissection. Last evaluated: 2023-02-03. Review status: criteria provided, single submitter. Criteria: Ambry Variant Classification Scheme 2023. Collection method: clinical testing. Allele origin: germline.

GeneDx
Classification: Likely benign. Last evaluated: 2020-12-03. Review status: criteria provided, single submitter. Criteria: GeneDx Variant Classification Process June 2021. Collection method: clinical testing. Allele origin: germline. Affected: yes.
Comment: See Variant Classification Assertion Criteria.